The following is an entry in ClinVar:

NM_017837.4(PIGV):c.109C>G (p.His37Asp)

Gene: PIGV (phosphatidylinositol glycan anchor biosynthesis class V; plus strand). Cytogenetic location: 1p36.11.
Variant type: single nucleotide variant.
Coding change: c.109C>G on transcript NM_017837.4 (MANE Select); coding-DNA position 109, C replaced by G.
Protein change: p.His37Asp; replaces histidine 37 with aspartic acid.
Molecular consequence: missense variant. On other transcripts: 5 prime UTR variant (1), non-coding transcript variant (2), intron variant (1).
Genome position (GRCh38, 1-based): chr1:26,794,143, C>G. VCF-style: chr1-26794143-C-G. GRCh37 (hg19) VCF-style: chr1-27120634-C-G.
Other names: c.109C>G, p.His37Asp (NM_001202554.2, NM_001374478.1, NM_001374480.1 and 4 more transcripts); c.-273C>G (NM_001374483.1); c.78+3250C>G (NM_001374486.1); short protein forms H37D.
Identifiers: ClinVar variation 1368556 (VCV001368556.8), dbSNP rs2124193075, ClinGen allele CA339198412.

ClinVar aggregate classification (germline): Uncertain significance (1 of 4 stars; one submission).

Submission:

Labcorp Genetics (formerly Invitae), Labcorp
Classification: Uncertain significance. Last evaluated: 2021-07-18. Review status: criteria provided, single submitter. Criteria: Invitae Variant Classification Sherloc (09022015). Collection method: clinical testing. Allele origin: germline.
Comment: In summary, the available evidence is currently insufficient to determine the role of this variant in disease. Therefore, it has been classified as a Variant of Uncertain Significance. Algorithms developed to predict the effect of missense changes on protein structure and function (SIFT, PolyPhen-2, Align-GVGD) all suggest that this variant is likely to be tolerated. This variant has not been reported in the literature in individuals affected with PIGV-related conditions. This variant is not present in population databases (ExAC no frequency). This sequence change replaces histidine with aspartic acid at codon 37 of the PIGV protein (p.His37Asp). The histidine residue is weakly conserved and there is a moderate physicochemical difference between histidine and aspartic acid.